The following is an entry in ClinVar:

ClinVar aggregate classification (germline): Uncertain significance. Review status: criteria provided, multiple submitters, no conflicts (2 of 4 stars). 2 submissions from 2 submitters: Uncertain significance (2). Last evaluated 2023-04-22.

Conditions:
Tumor predisposition syndrome 3 (TPDS3). Also called: Melanoma, cutaneous malignant, susceptibility to, 10; Glioma susceptibility 9; LONG TELOMERE SYNDROME, POT1-RELATED; POT1 Tumor Predisposition. Identifiers: Orphanet 618, MedGen C4014476, MONDO:0014368, OMIM 615848.
Hereditary cancer-predisposing syndrome. Also called: Neoplastic Syndromes, Hereditary; Tumor predisposition; Hereditary Cancer Syndrome; Hereditary neoplastic syndrome. Identifiers: Orphanet 140162, MedGen C0027672, MeSH D009386, MONDO:0015356.

Submissions (2):

Ambry Genetics
Classification: Uncertain significance for Hereditary cancer-predisposing syndrome. Last evaluated: 2023-04-22. Review status: criteria provided, single submitter. Criteria: Ambry Variant Classification Scheme 2023. Collection method: clinical testing. Allele origin: germline.
Comment: The p.P593S variant (also known as c.1777C>T), located in coding exon 14 of the POT1 gene, results from a C to T substitution at nucleotide position 1777. The proline at codon 593 is replaced by serine, an amino acid with similar properties. This amino acid position is conserved. In addition, this alteration is predicted to be tolerated by in silico analysis. Since supporting evidence is limited at this time, the clinical significance of this alteration remains unclear.

Labcorp Genetics (formerly Invitae), Labcorp
Classification: Uncertain significance for Tumor predisposition syndrome 3. Last evaluated: 2022-09-03. Review status: criteria provided, single submitter. Criteria: Invitae Variant Classification Sherloc (09022015). Collection method: clinical testing. Allele origin: germline.
Comment: This sequence change replaces proline, which is neutral and non-polar, with serine, which is neutral and polar, at codon 593 of the POT1 protein (p.Pro593Ser). This variant is not present in population databases (gnomAD no frequency). In summary, the available evidence is currently insufficient to determine the role of this variant in disease. Therefore, it has been classified as a Variant of Uncertain Significance. Algorithms developed to predict the effect of missense changes on protein structure and function output the following: SIFT: "Tolerated"; PolyPhen-2: "Benign"; Align-GVGD: "Class C0". The serine amino acid residue is found in multiple mammalian species, which suggests that this missense change does not adversely affect protein function. This variant has not been reported in the literature in individuals affected with POT1-related conditions.

NM_015450.3(POT1):c.1777C>T (p.Pro593Ser)

Gene: POT1 (protection of telomeres 1; minus strand). Cytogenetic location: 7q31.33.
Variant type: single nucleotide variant.
Coding change: c.1777C>T on transcript NM_015450.3 (MANE Select); coding-DNA position 1777, C replaced by T.
Protein change: p.Pro593Ser; replaces proline 593 with serine.
Molecular consequence: missense variant. On other transcripts: non-coding transcript variant (3).
Genome position (GRCh38, 1-based): chr7:124,825,267, G>A on the plus strand (C>T on the coding strand, the complement: POT1 is on the minus strand). VCF-style: chr7-124825267-G-A. GRCh37 (hg19) VCF-style: chr7-124465321-G-A.
Other names: c.1384C>T, p.Pro462Ser (NM_001042594.2); c.1777C>T (NM_015450.2); short protein forms P593S, P462S.
Identifiers: ClinVar variation 1992708 (VCV001992708.6), dbSNP rs1794601828, ClinGen allele CA369062131.
Genomic context (GRCh38, chr7:124,825,267, plus strand): 5'-TCTCAAGTAAAAGAAGTGTGGGATTGTTAAAATATTCTTGCCTACCAATTTTTATTCCTG[G>A]AGGACAAAACATATCCATGATCATATCCACACTTTTCTGAAGGTCATCATCCATCAGAAC-3'
Protein context (NP_056265.2, residues 583-603): VDMIMDMFCP[Pro593Ser]GIKIDAYPWL